The following is an entry in ClinVar:

NM_020166.5(MCCC1):c.1126del (p.Thr376fs)

Gene: MCCC1 (methylcrotonyl-CoA carboxylase subunit 1; minus strand). Cytogenetic location: 3q27.1.
Variant type: Deletion.
Coding change: c.1126del on transcript NM_020166.5 (MANE Select); coding-DNA position 1126, one base deleted (A; older notation c.1126delA).
Protein change: p.Thr376fs; shifts the reading frame from threonine 376.
Molecular consequence: frameshift variant. On other transcripts: non-coding transcript variant (2).
Genome position (GRCh38, 1-based): chr3:183,041,708, T deleted on the plus strand (A on the coding strand, the reverse complement: MCCC1 is on the minus strand); the first of 2 consecutive T bases (chr3:183,041,708-183,041,709); deleting either gives the same sequence. VCF-style (leftmost placement, unchanged base first): chr3-183041707-GT-G. GRCh37 (hg19) VCF-style: chr3-182759495-GT-G.
Other names: c.775del, p.Thr259fs (NM_001293273.2); c.799del, p.Thr267fs (NM_001363880.1); short protein forms T267fs, T259fs, T376fs.
Identifiers: ClinVar variation 3020765 (VCV003020765.4), dbSNP rs2530166841, ClinGen allele CA2668722875.

ClinVar aggregate classification (germline): Pathogenic/Likely pathogenic. Review status: criteria provided, multiple submitters, no conflicts (2 of 4 stars). 2 submissions from 2 submitters: Pathogenic (1); Likely pathogenic (1). Last evaluated 2024-05-25.

Conditions:
3-methylcrotonyl-CoA carboxylase 1 deficiency (MCC1D). Also called: MCCD TYPE 1; METHYLCROTONYLGLYCINURIA TYPE I; MCC 1 deficiency; 3 Alpha methylcrotonylglycinuria 1. Identifiers: Orphanet 6, MedGen CN028786, MONDO:0008861, OMIM 210200.

Submissions (2):

Fulgent Genetics
Classification: Likely pathogenic for 3-methylcrotonyl-CoA carboxylase 1 deficiency. Last evaluated: 2024-05-25. Review status: criteria provided, single submitter. Criteria: ACMG Guidelines, 2015. Collection method: clinical testing. Allele origin: germline.

Labcorp Genetics (formerly Invitae), Labcorp
Classification: Pathogenic for 3-methylcrotonyl-CoA carboxylase 1 deficiency. Last evaluated: 2024-01-18. Review status: criteria provided, single submitter. Criteria: Invitae Variant Classification Sherloc (09022015). Collection method: clinical testing. Allele origin: germline.
Comment: This sequence change creates a premature translational stop signal (p.Thr376Leufs*27) in the MCCC1 gene. It is expected to result in an absent or disrupted protein product. Loss-of-function variants in MCCC1 are known to be pathogenic (PMID: 11181649, 15359379, 22642865). This variant is not present in population databases (gnomAD no frequency). This variant has not been reported in the literature in individuals affected with MCCC1-related conditions. For these reasons, this variant has been classified as Pathogenic.

Literature cited by the submitters: PubMed 11181649 (cited by Labcorp Genetics (formerly Invitae), Labcorp); PubMed 15359379 (cited by Labcorp Genetics (formerly Invitae), Labcorp); PubMed 22642865 (cited by Labcorp Genetics (formerly Invitae), Labcorp).